The following is an entry in ClinVar:

ClinVar aggregate classification (germline): Pathogenic/Likely pathogenic. Review status: criteria provided, multiple submitters, no conflicts (2 of 4 stars). 12 submissions from 12 submitters: Pathogenic (9); Likely pathogenic (1). 2 of the submissions do not count toward it. Last evaluated 2024-04-26.

Conditions:
MKS1-related disorder. Also called: MKS1-related condition; MKS1-related disorders. Identifiers: MedGen CN239382.
Bardet-Biedl syndrome 13 (BBS13). Identifiers: Orphanet 110, MedGen C2673873, MONDO:0014441, OMIM 615990.
Joubert syndrome 28 (JBTS28). Identifiers: MedGen C4310705, MONDO:0014928, OMIM 617121.
Meckel syndrome, type 1 (MKS1). Also called: MECKEL-GRUBER SYNDROME, TYPE 1. Identifiers: Orphanet 564, MedGen C3714506, MONDO:0009571, OMIM 249000.
Joubert syndrome. Also called: JOUBERT-BOLTSHAUSER SYNDROME; Familial aplasia of the vermis. Identifiers: Orphanet 475, MedGen C5979921, MONDO:0018772.
Meckel-Gruber syndrome. Also called: Dysencephalia splachnocystica; GRUBER SYNDROME; DYSENCEPHALIA SPLANCHNOCYSTICA. Identifiers: Orphanet 564, MedGen C0265215, MONDO:0018921.

Allele frequency attached by ClinVar (database versions not stated): ExAC 0.00002; 1000 Genomes Project 30x 0.00016; 1000 Genomes Project 0.00020; gnomAD 0.00001; gnomAD exomes 0.00001.

Submissions (12):

Natera, Inc.
Classification: Pathogenic for Meckel syndrome type 1. Last evaluated: 2024-04-26. Review status: criteria provided, single submitter. Criteria: Natera Variant Classification Schema (03/2026). Collection method: clinical testing. Allele origin: germline.
Comment: The c.515+1G>A variant in MKS1 is a canonical splice donor site variant predicted to affect pre-mRNA splicing, which may result in an abnormal transcript and altered protein product. This variant is expected to result in nonsense mediated decay, truncation, or a dysfunctional protein product. This variant is rare in the general population with a frequency below the threshold expected for the associated phenotype(s). This variant has been observed in one or more individuals affected with the associated recessive disease, as either homozygous or compound heterozygous with a second variant (PMID: 17437276). Given the available evidence, this variant is classified as Pathogenic.

Labcorp Genetics (formerly Invitae), Labcorp
Classification: Pathogenic for Joubert syndrome; Meckel-Gruber syndrome. Last evaluated: 2024-02-16. Review status: criteria provided, single submitter. Criteria: Invitae Variant Classification Sherloc (09022015). Collection method: clinical testing. Allele origin: germline.
Comment: This sequence change affects a donor splice site in intron 5 of the MKS1 gene. It is expected to disrupt RNA splicing. Variants that disrupt the donor or acceptor splice site typically lead to a loss of protein function (PMID: 16199547), and loss-of-function variants in MKS1 are known to be pathogenic (PMID: 19466712, 24886560, 26490104). This variant is present in population databases (rs201933838, gnomAD 0.01%). Disruption of this splice site has been observed in individual(s) with Meckel-Gruber syndrome (PMID: 17437276). ClinVar contains an entry for this variant (Variation ID: 56624). Algorithms developed to predict the effect of sequence changes on RNA splicing suggest that this variant may disrupt the consensus splice site. For these reasons, this variant has been classified as Pathogenic.

Women's Health and Genetics/Laboratory Corporation of America, LabCorp
Classification: Likely pathogenic for Meckel syndrome, type 1. Last evaluated: 2023-10-27. Review status: criteria provided, single submitter. Criteria: LabCorp Variant Classification Summary - May 2015. Collection method: clinical testing. Allele origin: germline.
Comment: Variant summary: MKS1 c.515+1G>A is located in a canonical splice-site and is predicted to affect mRNA splicing resulting in a significantly altered protein due to either exon skipping, shortening, or inclusion of intronic material. Several computational tools predict a significant impact on normal splicing: Four predict the variant abolishes a canonical '5 splicing donor site. However, these predictions have yet to be confirmed by functional studies. The variant allele was found at a frequency of 1.2e-05 in 242510 control chromosomes (gnomAD). c.515+1G>A has been reported in the literature in individuals affected with Meckel Syndrome (example: Frank_2007). These data indicate that the variant may be associated with disease. To our knowledge, no experimental evidence demonstrating an impact on protein function has been reported. The following publication has been ascertained in the context of this evaluation (PMID: 17437276). Three submitters have cited clinical-significance assessments for this variant to ClinVar after 2014. All submitters classified the variant as pathogenic/likely pathogenic. Based on the evidence outlined above, the variant was classified as likely pathogenic.

GeneDx
Classification: Pathogenic. Last evaluated: 2023-09-15. Review status: criteria provided, single submitter. Criteria: GeneDx Variant Classification Process June 2021. Collection method: clinical testing. Allele origin: germline. Affected: yes.
Comment: Canonical splice site variant predicted to result in a null allele in a gene for which loss of function is a known mechanism of disease; This variant is associated with the following publications: (PMID: 25525159, 17437276)

Baylor Genetics
Classification: Pathogenic for Bardet-Biedl syndrome 13. Last evaluated: 2023-02-14. Review status: criteria provided, single submitter. Criteria: ACMG Guidelines, 2015. Collection method: clinical testing. Allele origin: unknown.

Clinical Genetics Laboratory, Skane University Hospital Lund
Classification: Pathogenic. Last evaluated: 2022-07-13. Review status: criteria provided, single submitter. Criteria: ACMG Guidelines, 2015. Collection method: clinical testing. Allele origin: germline. Affected: yes.

Blueprint Genetics
Classification: Pathogenic for MKS1-related disorders. Last evaluated: 2019-03-22. Review status: criteria provided, single submitter. Criteria: ACMG Guidelines, 2015. Collection method: clinical testing. Allele origin: germline. Affected: yes. Observed: 1 variant allele.

Genomic Research Center, Shahid Beheshti University of Medical Sciences
Classification: Pathogenic for Meckel syndrome, type 1. Last evaluated: 2017-12-03. Review status: criteria provided, single submitter. Criteria: ACMG Guidelines, 2015. Collection method: clinical testing. Allele origin: inherited. Affected: yes.

Juno Genomics, Hangzhou Juno Genomics, Inc
Classification: Pathogenic for Bardet-Biedl syndrome 13; Joubert syndrome 28; Meckel syndrome, type 1. Review status: criteria provided, single submitter. Criteria: ACMG Guidelines, 2015. Collection method: clinical testing. Allele origin: germline.
Comment: Absent from controls (or at extremely low frequency if recessive) in Genome Aggregation Database.;Null variant in a gene where loss of function (LOF) is a known mechanism of disease.;For recessive disorders, detected in trans with a pathogenic variant.

Kariminejad - Najmabadi Pathology & Genetics Center
Classification: Pathogenic for Bardet-Biedl syndrome 13. Review status: criteria provided, single submitter. Criteria: ACMG Guidelines, 2015. Collection method: clinical testing. Allele origin: germline. Affected: no.

Counsyl
Classification: Likely pathogenic for Meckel syndrome, type 1; Bardet-Biedl syndrome 13; Joubert syndrome 28. Last evaluated: 2017-11-30. Review status: no assertion criteria provided. Collection method: clinical testing. Allele origin: unknown. Not counted in ClinVar's aggregate classification.

Juha Muilu Group; Institute for Molecular Medicine Finland (FIMM)
Classification: Likely pathogenic for Meckel syndrome type1. Review status: no assertion criteria provided. Collection method: not provided. Allele origin: unknown. Not counted in ClinVar's aggregate classification.
Comment: FinDis database variant: This variant was not found or characterized by our laboratory, data were collected from public sources: see reference
ClinVar note: Converted during submission from probable-pathogenic to Likely pathogenic.

Literature cited by the submitters: PubMed 17437276 (cited by 4 submitters); PubMed 16199547 (cited by Labcorp Genetics (formerly Invitae), Labcorp); PubMed 19466712 (cited by Labcorp Genetics (formerly Invitae), Labcorp); PubMed 24886560 (cited by Labcorp Genetics (formerly Invitae), Labcorp); PubMed 26490104 (cited by Labcorp Genetics (formerly Invitae), Labcorp).

NM_017777.4(MKS1):c.515+1G>A

Gene: MKS1 (MKS transition zone complex subunit 1; minus strand). Cytogenetic location: 17q22.
Variant type: single nucleotide variant.
Coding change: c.515+1G>A on transcript NM_017777.4 (MANE Select); the canonical splice donor site of the intron after coding-DNA position 515, G replaced by A.
Molecular consequence: splice donor variant. On other transcripts: intron variant (1).
Genome position (GRCh38, 1-based): chr17:58,214,740, C>T on the plus strand (G>A on the coding strand, the complement: MKS1 is on the minus strand). VCF-style: chr17-58214740-C-T. GRCh37 (hg19) VCF-style: chr17-56292101-C-T.
Other names: NM_001165927.1:c.485+1G>A; c.-94-353G>A (NM_001321268.2); c.515+1G>A (NM_001330397.2, NM_001321269.2, NM_001411113.1).
Identifiers: ClinVar variation 56624 (VCV000056624.21), dbSNP rs201933838, ClinGen allele CA344762.